The following is an entry in ClinVar:

ClinVar aggregate classification (germline): Uncertain significance (1 of 4 stars; one submission).

Allele frequency attached by ClinVar (database versions not stated): gnomAD exomes below 0.00001.
gnomAD v4.1: 2 of 1,041,013 alleles (0.00019%); highest among the groups gnomAD compares: South Asian, 0.0029%; no homozygotes.

Submission:

Labcorp Genetics (formerly Invitae), Labcorp
Classification: Uncertain significance. Last evaluated: 2025-12-01. Review status: criteria provided, single submitter. Criteria: Invitae Variant Classification Sherloc (09022015). Collection method: clinical testing. Allele origin: germline.
Comment: This sequence change replaces arginine, which is basic and polar, with serine, which is neutral and polar, at codon 72 of the GPR143 protein (p.Arg72Ser). This variant is not present in population databases (gnomAD no frequency). This variant has not been reported in the literature in individuals affected with GPR143-related conditions. ClinVar contains an entry for this variant (Variation ID: 1933837). Invitae Evidence Modeling of protein sequence and biophysical properties (such as structural, functional, and spatial information, amino acid conservation, physicochemical variation, residue mobility, and thermodynamic stability) indicates that this missense variant is not expected to disrupt GPR143 protein function with a negative predictive value of 95%. In summary, the available evidence is currently insufficient to determine the role of this variant in disease. Therefore, it has been classified as a Variant of Uncertain Significance.

NM_000273.3(GPR143):c.214C>A (p.Arg72Ser)

Gene: GPR143 (G protein-coupled receptor 143; minus strand). Cytogenetic location: Xp22.2.
Variant type: single nucleotide variant.
Coding change: c.214C>A on transcript NM_000273.3 (MANE Select); coding-DNA position 214, C replaced by A.
Protein change: p.Arg72Ser; replaces arginine 72 with serine.
Molecular consequence: missense variant.
Genome position (GRCh38, 1-based): chrX:9,765,604, G>T on the plus strand (C>A on the coding strand, the complement: GPR143 is on the minus strand). VCF-style: chrX-9765604-G-T. GRCh37 (hg19) VCF-style: chrX-9733644-G-T.
Other names: short protein forms R72S.
Identifiers: ClinVar variation 1933837 (VCV001933837.5), dbSNP rs1281485533, ClinGen allele CA412000446.